The following is an entry in ClinVar:

NM_005477.3(HCN4):c.2807C>T (p.Pro936Leu)

Gene: HCN4 (hyperpolarization activated cyclic nucleotide gated potassium channel 4; minus strand). Cytogenetic location: 15q24.1.
Variant type: single nucleotide variant.
Coding change: c.2807C>T on transcript NM_005477.3 (MANE Select); coding-DNA position 2807, C replaced by T.
Protein change: p.Pro936Leu; replaces proline 936 with leucine.
Molecular consequence: missense variant.
Genome position (GRCh38, 1-based): chr15:73,323,286, G>A on the plus strand (C>T on the coding strand, the complement: HCN4 is on the minus strand). VCF-style: chr15-73323286-G-A. GRCh37 (hg19) VCF-style: chr15-73615627-G-A.
Other names: p.Pro936Leu; short protein forms P936L.
Identifiers: ClinVar variation 951977 (VCV000951977.17), dbSNP rs769959023, ClinGen allele CA7648951.

ClinVar aggregate classification (germline): Uncertain significance. Review status: criteria provided, multiple submitters, no conflicts (2 of 4 stars). 6 submissions from 6 submitters: Uncertain significance (6). Last evaluated 2025-11-22.

Conditions:
Brugada syndrome 8 (BRGDA8). Identifiers: Orphanet 130, MedGen C2751083, MONDO:0013148, OMIM 613123.
Sick sinus syndrome 2, autosomal dominant (SSS2). Also called: SICK SINUS SYNDROME 2; SICK SINUS SYNDROME 2 WITH OR WITHOUT CARDIAC NONCOMPACTION AND/OR ASCENDING AORTA DILATION; SINUS BRADYCARDIA SYNDROME, FAMILIAL, AUTOSOMAL DOMINANT; SINUS NODE DISEASE, FAMILIAL, AUTOSOMAL DOMINANT; ATRIAL FIBRILLATION WITH BRADYARRHYTHMIA. Identifiers: Orphanet 166282, MedGen C1834144, MONDO:0008102, OMIM 163800.
Epilepsy, idiopathic generalized, susceptibility to, 18. Identifiers: MedGen C5561983, MONDO:0030434, OMIM 619521.
Cardiovascular phenotype. Identifiers: MedGen CN230736.

Allele frequency attached by ClinVar (database versions not stated): ExAC below 0.00001; gnomAD 0.00002; TOPMed 0.00002.
gnomAD v4.1: 18 of 1,536,416 alleles (0.0012%); highest among the groups gnomAD compares: Non-Finnish European, 0.0015%; no homozygotes.

Submissions (6):

Labcorp Genetics (formerly Invitae), Labcorp
Classification: Uncertain significance for Brugada syndrome 8. Last evaluated: 2025-11-22. Review status: criteria provided, single submitter. Criteria: Invitae Variant Classification Sherloc (09022015). Collection method: clinical testing. Allele origin: germline.
Comment: This sequence change replaces proline, which is neutral and non-polar, with leucine, which is neutral and non-polar, at codon 936 of the HCN4 protein (p.Pro936Leu). The frequency data for this variant in the population databases is considered unreliable, as metrics indicate poor data quality at this position in the gnomAD database. This variant has not been reported in the literature in individuals affected with HCN4-related conditions. ClinVar contains an entry for this variant (Variation ID: 951977). Invitae Evidence Modeling of protein sequence and biophysical properties (such as structural, functional, and spatial information, amino acid conservation, physicochemical variation, residue mobility, and thermodynamic stability) indicates that this missense variant is not expected to disrupt HCN4 protein function with a negative predictive value of 95%. In summary, the available evidence is currently insufficient to determine the role of this variant in disease. Therefore, it has been classified as a Variant of Uncertain Significance.

Mayo Clinic Laboratories, Mayo Clinic
Classification: Uncertain significance. Last evaluated: 2025-09-18. Review status: criteria provided, single submitter. Criteria: ACMG Guidelines, 2015. Collection method: clinical testing. Allele origin: germline. Observed: 1 variant allele.
Comment: BP4

Ambry Genetics
Classification: Uncertain significance for Cardiovascular phenotype. Last evaluated: 2025-04-07. Review status: criteria provided, single submitter. Criteria: Ambry Variant Classification Scheme 2023. Collection method: clinical testing. Allele origin: germline.
Comment: The p.P936L variant (also known as c.2807C>T), located in coding exon 8 of the HCN4 gene, results from a C to T substitution at nucleotide position 2807. The proline at codon 936 is replaced by leucine, an amino acid with similar properties. This variant has been reported in a sudden cardiac arrest cohort (Janin A et al. Mol Diagn Ther, 2021 May;25:373-385). This amino acid position is not well conserved in available vertebrate species. In addition, this alteration is predicted to be tolerated by in silico analysis. Based on the available evidence, the clinical significance of this variant remains unclear.

Neuberg Centre For Genomic Medicine, NCGM
Classification: Uncertain significance for Sick sinus syndrome 2, autosomal dominant. Last evaluated: 2023-05-20. Review status: criteria provided, single submitter. Criteria: ACMG Guidelines, 2015. Collection method: clinical testing. Allele origin: germline. Inheritance: Autosomal dominant inheritance. Affected: yes.
Comment: The observed missense variant c.2807C>T(p.Pro936Leu) in HCN4 gene has not been reported previously as a pathogenic variant nor as a benign variant, to our knowledge. The c.2807C>T variant has 0.002% allele frequency in gnomAD Exomes. This variant has been reported to the ClinVar database as Uncertain Significance. However, no details are available for independent assessment.The amino acid Proline at position 936 is changed to a Leucine changing protein sequence and it might alter its composition and physico-chemical properties. Computational evidence (Polyphen-Benign, SIFT-Tolerated and Mutation Taster-disease causing) predicts conflicting evidence on protein structure and function for this variant. The reference amino acid in HCN4 is predicted as conserved by GERP++ and PhyloP across 100 vertebrates. For these reasons, this variant has been classified as Uncertain Significance.

Fulgent Genetics
Classification: Uncertain significance for Sick sinus syndrome 2, autosomal dominant; Brugada syndrome 8; Epilepsy, idiopathic generalized, susceptibility to, 18. Last evaluated: 2021-09-02. Review status: criteria provided, single submitter. Criteria: ACMG Guidelines, 2015. Collection method: clinical testing. Allele origin: unknown.

Blueprint Genetics
Classification: Uncertain significance. Last evaluated: 2020-11-18. Review status: criteria provided, single submitter. Criteria: ACMG Guidelines, 2015. Collection method: clinical testing. Allele origin: germline.

Literature cited by the submitters: PubMed 33954932 (cited by Ambry Genetics).